The following is an entry in ClinVar:

NM_005732.4(RAD50):c.326C>T (p.Thr109Ile)

Gene: RAD50 (RAD50 double strand break repair protein; plus strand). Cytogenetic location: 5q31.1.
Variant type: single nucleotide variant.
Coding change: c.326C>T on transcript NM_005732.4 (MANE Select); coding-DNA position 326, C replaced by T.
Protein change: p.Thr109Ile; replaces threonine 109 with isoleucine.
Molecular consequence: missense variant.
Genome position (GRCh38, 1-based): chr5:132,575,889, C>T. VCF-style: chr5-132575889-C-T. GRCh37 (hg19) VCF-style: chr5-131911581-C-T.
Other names: c.326C>T (NM_005732.3); short protein forms T109I.
Identifiers: ClinVar variation 2860196 (VCV002860196.4), dbSNP rs2479608441, ClinGen allele CA360931247.

ClinVar aggregate classification (germline): Uncertain significance. Review status: criteria provided, multiple submitters, no conflicts (2 of 4 stars). 2 submissions from 2 submitters: Uncertain significance (2). Last evaluated 2024-02-01.

Conditions:
Hereditary cancer-predisposing syndrome. Also called: Neoplastic Syndromes, Hereditary; Hereditary neoplastic syndrome; Tumor predisposition; Hereditary Cancer Syndrome. Identifiers: Orphanet 140162, MedGen C0027672, MeSH D009386, MONDO:0015356.

Submissions (2):

Ambry Genetics
Classification: Uncertain significance for Hereditary cancer-predisposing syndrome. Last evaluated: 2024-02-01. Review status: criteria provided, single submitter. Criteria: Ambry Variant Classification Scheme 2023. Collection method: clinical testing. Allele origin: germline.
Comment: The p.T109I variant (also known as c.326C>T), located in coding exon 3 of the RAD50 gene, results from a C to T substitution at nucleotide position 326. The threonine at codon 109 is replaced by isoleucine, an amino acid with similar properties. This amino acid position is conserved. In addition, this alteration is predicted to be tolerated by in silico analysis. Based on the available evidence, the clinical significance of this alteration remains unclear.

Labcorp Genetics (formerly Invitae), Labcorp
Classification: Uncertain significance for Hereditary cancer-predisposing syndrome. Last evaluated: 2023-06-21. Review status: criteria provided, single submitter. Criteria: Invitae Variant Classification Sherloc (09022015). Collection method: clinical testing. Allele origin: germline.
Comment: This sequence change replaces threonine, which is neutral and polar, with isoleucine, which is neutral and non-polar, at codon 109 of the RAD50 protein (p.Thr109Ile). This variant is not present in population databases (gnomAD no frequency). This variant has not been reported in the literature in individuals affected with RAD50-related conditions. Advanced modeling of protein sequence and biophysical properties (such as structural, functional, and spatial information, amino acid conservation, physicochemical variation, residue mobility, and thermodynamic stability) performed at Invitae indicates that this missense variant is not expected to disrupt RAD50 protein function. Algorithms developed to predict the effect of sequence changes on RNA splicing suggest that this variant may create or strengthen a splice site. In summary, the available evidence is currently insufficient to determine the role of this variant in disease. Therefore, it has been classified as a Variant of Uncertain Significance.